The following is an entry in ClinVar:

ClinVar aggregate classification (germline): Uncertain significance (1 of 4 stars; one submission).

Conditions:
Developmental and epileptic encephalopathy, 53. Also called: Epileptic encephalopathy, early infantile, 53. Identifiers: MedGen C4479313, MONDO:0033362, OMIM 617389.
Early-onset Parkinson disease 20. Also called: PARKINSON DISEASE 20, AUTOSOMAL RECESSIVE EARLY-ONSET. Identifiers: Orphanet 391411, MedGen C3809824, MONDO:0014233, OMIM 615530.

Submission:

Labcorp Genetics (formerly Invitae), Labcorp
Classification: Uncertain significance for Developmental and epileptic encephalopathy, 53; Early-onset Parkinson disease 20. Last evaluated: 2024-02-24. Review status: criteria provided, single submitter. Criteria: Invitae Variant Classification Sherloc (09022015). Collection method: clinical testing. Allele origin: germline.
Comment: This sequence change replaces methionine, which is neutral and non-polar, with lysine, which is basic and polar, at codon 124 of the SYNJ1 protein (p.Met124Lys). This variant is not present in population databases (gnomAD no frequency). This variant has not been reported in the literature in individuals affected with SYNJ1-related conditions. ClinVar contains an entry for this variant (Variation ID: 839553). Advanced modeling of protein sequence and biophysical properties (such as structural, functional, and spatial information, amino acid conservation, physicochemical variation, residue mobility, and thermodynamic stability) performed at Invitae indicates that this missense variant is not expected to disrupt SYNJ1 protein function with a negative predictive value of 80%. In summary, the available evidence is currently insufficient to determine the role of this variant in disease. Therefore, it has been classified as a Variant of Uncertain Significance.

NM_203446.3(SYNJ1):c.254T>A (p.Met85Lys)

Gene: SYNJ1 (synaptojanin 1; minus strand). Cytogenetic location: 21q22.11.
Variant type: single nucleotide variant.
Coding change: c.254T>A on transcript NM_203446.3 (MANE Select); coding-DNA position 254, T replaced by A.
Protein change: p.Met85Lys; replaces methionine 85 with lysine.
Molecular consequence: missense variant.
Genome position (GRCh38, 1-based): chr21:32,700,063, A>T on the plus strand (T>A on the coding strand, the complement: SYNJ1 is on the minus strand). VCF-style: chr21-32700063-A-T. GRCh37 (hg19) VCF-style: chr21-34072373-A-T.
Other names: c.254T>A, p.Met85Lys (NM_001160302.2, NM_001160306.2); c.371T>A, p.Met124Lys (NM_003895.4); short protein forms M124K, M85K.
Identifiers: ClinVar variation 839553 (VCV000839553.10), dbSNP rs2042345500, ClinGen allele CA410102005.
Genomic context (GRCh38, chr21:32,700,063, plus strand): 5'-GATATAAACTCAGTGGAAGTAACTCGGAAAACTTCAGATTCTTGAATTTTTCCAACAGAC[A>T]TACATCCAGTGACTAGGACCAGATAATGTAACATAGTATCACCTGCAAAACCCAAAGATT-3'
Protein context (NP_982271.3, residues 75-95): LHYLVLVTGC[Met85Lys]SVGKIQESEV